The following is an entry in ClinVar:

ClinVar aggregate classification (germline): Uncertain significance. Review status: criteria provided, multiple submitters, no conflicts (2 of 4 stars). 2 submissions from 2 submitters: Uncertain significance (2). Last evaluated 2023-10-27.

Conditions:
Hereditary cancer-predisposing syndrome. Also called: Hereditary neoplastic syndrome; Neoplastic Syndromes, Hereditary; Tumor predisposition; Hereditary Cancer Syndrome. Identifiers: Orphanet 140162, MedGen C0027672, MeSH D009386, MONDO:0015356.
Rhabdoid tumor predisposition syndrome 2 (RTPS2). Identifiers: Orphanet 231108, Orphanet 69077, MedGen C2750074, MONDO:0013224, OMIM 613325.

Allele frequency attached by ClinVar (database versions not stated): TOPMed below 0.00001; ExAC 0.00001; gnomAD 0.00001; gnomAD exomes 0.00001.

Submissions (2):

Ambry Genetics
Classification: Uncertain significance for Hereditary cancer-predisposing syndrome. Last evaluated: 2023-10-27. Review status: criteria provided, single submitter. Criteria: Ambry Variant Classification Scheme 2023. Collection method: clinical testing. Allele origin: germline.
Comment: The p.P159H variant (also known as c.476C>A), located in coding exon 3 of the SMARCA4 gene, results from a C to A substitution at nucleotide position 476. The proline at codon 159 is replaced by histidine, an amino acid with similar properties. This amino acid position is well conserved in available vertebrate species. In addition, the in silico prediction for this alteration is inconclusive. Missense and in-frame variants in SMARCA4 are known to cause neurodevelopmental disorders; however, such associations with rhabdoid tumor predisposition syndrome including small cell carcinoma of the ovary-hypercalcemic type (SCCOHT) are exceedingly rare (Kosho T et al. Am J Med Genet C Semin Med Genet. 2014 Sep;166C(3):262-75; Jelinic P et al. Nat Genet. 2014 May;46(5):424-6). Based on the supporting evidence, the association of this alteration with Coffin-Siris syndrome is unknown; however, the association of this alteration with rhabdoid tumor predisposition syndrome is unlikely.

Labcorp Genetics (formerly Invitae), Labcorp
Classification: Uncertain significance for Rhabdoid tumor predisposition syndrome 2. Last evaluated: 2020-03-05. Review status: criteria provided, single submitter. Criteria: Invitae Variant Classification Sherloc (09022015). Collection method: clinical testing. Allele origin: germline.
Comment: In summary, the available evidence is currently insufficient to determine the role of this variant in disease. Therefore, it has been classified as a Variant of Uncertain Significance. Algorithms developed to predict the effect of missense changes on protein structure and function are either unavailable or do not agree on the potential impact of this missense change (SIFT: "Deleterious"; PolyPhen-2: "Possibly Damaging"; Align-GVGD: "Class C0"). This variant has not been reported in the literature in individuals with SMARCA4-related conditions. This variant is present in population databases (rs747458180, ExAC 0.01%). This sequence change replaces proline with histidine at codon 159 of the SMARCA4 protein (p.Pro159His). The proline residue is highly conserved and there is a moderate physicochemical difference between proline and histidine.

NM_003072.5(SMARCA4):c.476C>A (p.Pro159His)

Gene: SMARCA4 (SWI/SNF related BAF chromatin remodeling complex subunit ATPase 4; plus strand). Cytogenetic location: 19p13.2.
Variant type: single nucleotide variant.
Coding change: c.476C>A on transcript NM_003072.5 (MANE Select); coding-DNA position 476, C replaced by A.
Protein change: p.Pro159His; replaces proline 159 with histidine.
Molecular consequence: missense variant. On other transcripts: non-coding transcript variant (1).
Genome position (GRCh38, 1-based): chr19:10,986,309, C>A. VCF-style: chr19-10986309-C-A. GRCh37 (hg19) VCF-style: chr19-11096985-C-A.
Other names: c.476C>A, p.Pro159His (NM_001128844.3, NM_001128845.2, NM_001128846.2 and 4 more transcripts); short protein forms P159H.
Identifiers: ClinVar variation 1005699 (VCV001005699.11), dbSNP rs747458180, ClinGen allele CA9203515.